The following is an entry in ClinVar:

NM_001754.5(RUNX1):c.1197C>G (p.Ser399Arg)

Gene: RUNX1 (RUNX family transcription factor 1; minus strand). Cytogenetic location: 21q22.12.
Variant type: single nucleotide variant.
Coding change: c.1197C>G on transcript NM_001754.5 (MANE Select); coding-DNA position 1197, C replaced by G.
Protein change: p.Ser399Arg; replaces serine 399 with arginine.
Molecular consequence: missense variant.
Genome position (GRCh38, 1-based): chr21:34,792,381, G>C on the plus strand (C>G on the coding strand, the complement: RUNX1 is on the minus strand). VCF-style: chr21-34792381-G-C. GRCh37 (hg19) VCF-style: chr21-36164678-G-C.
Other names: NM_001754.5(RUNX1):c.1197C>G; p.Ser399Arg; c.1116C>G, p.Ser372Arg (NM_001001890.3); short protein forms S372R, S399R.
Identifiers: ClinVar variation 2150091 (VCV002150091.6), dbSNP rs1555884864, ClinGen allele CA410147801.
Genomic context (GRCh38, chr21:34,792,381, plus strand): 5'-CACCATGGAGAACTGGTAGGAGCCGGCCGAGGCGCCGTAGTACAGGTGGTAGGAGGGCGA[G>C]CTGGCTTGGAACGGGCCTCCCTGCGCTTGCGACGAGCCGGGGTAGGGCGGCGGCAGGTAG-3'
Protein context (NP_001745.2, residues 389-409): SQAQGGPFQA[Ser399Arg]SPSYHLYYGA

ClinVar aggregate classification (germline): Uncertain significance. Review status: reviewed by expert panel (3 of 4 stars). 3 submissions from 3 submitters: Uncertain significance (1). 2 of the submissions do not count toward it. Last evaluated 2024-07-17.

Conditions:
Hereditary thrombocytopenia and hematologic cancer predisposition syndrome. Identifiers: Orphanet 71290, MedGen CN281654, MONDO:0011071.
Inborn genetic diseases. Identifiers: MedGen C0950123, MeSH D030342.
Hereditary thrombocytopenia and hematological cancer predisposition syndrome associated with RUNX1. Also called: RUNX1 Familial Platelet Disorder with Associated Myeloid Malignancies; Familial Platelet Disorder with Propensity to Acute Myelogenous Leukemia; Familial thrombocytopenia with propensity to acute myelogenous leukemia; PLATELET DISORDER, ASPIRIN-LIKE. Identifiers: Orphanet 71290, MedGen C1832388, MeSH C563324, MONDO:0100083, OMIM 601399.

gnomAD v4.1: 2 of 1,566,494 alleles (0.00013%); highest among the groups gnomAD compares: Admixed American, 0.0019%; no homozygotes.

Submissions (3):

ClinGen Myeloid Malignancy Variant Curation Expert Panel
Classification: Uncertain significance for Hereditary thrombocytopenia and hematologic cancer predisposition syndrome. Last evaluated: 2024-07-17. Review status: reviewed by expert panel. Criteria: ClinGen MyeloMalig ACMG Specifications v2. Collection method: curation. Allele origin: germline. Inheritance: Autosomal dominant inheritance.
Comment: NM_001754.5(RUNX1):c.1197C>G (p.Ser399Arg) is a missense mutation that is not present in gnomAD v2.1.1 and v3.1.2 (PM2_supporting). This variant has a REVEL score < 0.50 (0.126), and a SpliceAI score ≤ 0.20 (0.0) (BP4). In summary, the clinical significance of this variant is uncertain. ACMG/AMP criteria have been applied, as specified by the Myeloid Malignancy Variant Curation Expert Panel for RUNX1: PM2_supporting, BP4.

Labcorp Genetics (formerly Invitae), Labcorp
Classification: Uncertain significance for Hereditary thrombocytopenia and hematological cancer predisposition syndrome associated with RUNX1. Last evaluated: 2026-01-20. Review status: criteria provided, single submitter. Criteria: Invitae Variant Classification Sherloc (09022015). Collection method: clinical testing. Allele origin: germline. Not counted in ClinVar's aggregate classification.
Comment: This sequence change replaces serine, which is neutral and polar, with arginine, which is basic and polar, at codon 399 of the RUNX1 protein (p.Ser399Arg). This variant is not present in population databases (gnomAD no frequency). This variant has not been reported in the literature in individuals affected with RUNX1-related conditions. ClinVar contains an entry for this variant (Variation ID: 2150091). Invitae Evidence Modeling of protein sequence and biophysical properties (such as structural, functional, and spatial information, amino acid conservation, physicochemical variation, residue mobility, and thermodynamic stability) has been performed for this missense variant. However, the output from this modeling did not meet the statistical confidence thresholds required to predict the impact of this variant on RUNX1 protein function. In summary, the available evidence is currently insufficient to determine the role of this variant in disease. Therefore, it has been classified as a Variant of Uncertain Significance.

Ambry Genetics
Classification: Uncertain significance for Inborn genetic diseases. Last evaluated: 2025-06-13. Review status: criteria provided, single submitter. Criteria: Ambry Variant Classification Scheme 2023. Collection method: clinical testing. Allele origin: germline. Not counted in ClinVar's aggregate classification.
Comment: The p.S399R variant (also known as c.1197C>G), located in coding exon 8 of the RUNX1 gene, results from a C to G substitution at nucleotide position 1197. The serine at codon 399 is replaced by arginine, an amino acid with dissimilar properties. This amino acid position is conserved. In addition, this alteration is predicted to be tolerated by in silico analysis. Based on the available evidence, the clinical significance of this variant remains unclear.